The following is an entry in ClinVar:

ClinVar aggregate classification (germline): Likely pathogenic (1 of 4 stars; one submission).

Conditions:
Cardiovascular phenotype. Identifiers: MedGen CN230736.

Submission:

Ambry Genetics
Classification: Likely pathogenic for Cardiovascular phenotype. Last evaluated: 2021-09-07. Review status: criteria provided, single submitter. Criteria: Ambry Variant Classification Scheme 2023. Collection method: clinical testing. Allele origin: germline.
Comment: The c.9993G>A (p.W3331*) alteration, located in exon 43 (coding exon 42) of the TTN gene, consists of a G to A substitution at nucleotide position 9993. This changes the amino acid from a tryptophan (W) to a stop codon at amino acid position 3331. This alteration is expected to result in loss of function by premature protein truncation or nonsense-mediated mRNA decay. This variant was not reported in population-based cohorts in the Genome Aggregation Database (gnomAD). This exon is located in the I-band region of the N2-B isoform of the titin protein and is constitutively expressed in TTN transcripts. Based on the available evidence, this alteration is classified as likely pathogenic.

Literature cited by the submitters: PubMed 22335739; PubMed 25589632; PubMed 27869827.

NM_001267550.2(TTN):c.10131G>A (p.Trp3377Ter)

Gene: TTN (titin; minus strand). Cytogenetic location: 2q31.2.
Variant type: single nucleotide variant.
Coding change: c.10131G>A on transcript NM_001267550.2 (MANE Select); coding-DNA position 10131, G replaced by A.
Protein change: p.Trp3377Ter; replaces tryptophan 3377 with a stop codon.
Molecular consequence: nonsense.
Genome position (GRCh38, 1-based): chr2:178,759,156, C>T on the plus strand (G>A on the coding strand, the complement: TTN is on the minus strand). VCF-style: chr2-178759156-C-T. GRCh37 (hg19) VCF-style: chr2-179623883-C-T.
Other names: c.10131G>A, p.Trp3377Ter (NM_001256850.1, NM_133378.4, NM_133379.5); c.9993G>A, p.Trp3331Ter (NM_003319.4, NM_133432.3, NM_133437.4); short protein forms W3331*, W3377*.
Identifiers: ClinVar variation 2237754 (VCV002237754.2), dbSNP rs2531939450, ClinGen allele CA349673646.